The following is an entry in ClinVar:

NM_000089.4(COL1A2):c.3708C>A (p.Ser1236Arg)

Gene: COL1A2 (collagen type I alpha 2 chain; plus strand). Cytogenetic location: 7q21.3.
Variant type: single nucleotide variant.
Coding change: c.3708C>A on transcript NM_000089.4 (MANE Select); coding-DNA position 3708, C replaced by A.
Protein change: p.Ser1236Arg; replaces serine 1236 with arginine.
Molecular consequence: missense variant.
Genome position (GRCh38, 1-based): chr7:94,428,474, C>A. VCF-style: chr7-94428474-C-A. GRCh37 (hg19) VCF-style: chr7-94057786-C-A.
Other names: short protein forms S1236R.
Identifiers: ClinVar variation 1408899 (VCV001408899.6), dbSNP rs1214052566, ClinGen allele CA368226562.

ClinVar aggregate classification (germline): Uncertain significance (1 of 4 stars; one submission).

Conditions:
Ehlers-Danlos syndrome, classic type, 1 (EDSCL1). Also called: EHLERS-DANLOS SYNDROME, GRAVIS TYPE; EHLERS-DANLOS SYNDROME, SEVERE CLASSIC TYPE; Ehlers-Danlos syndrome, type 1; Ehlers-Danlos Syndrome, Classic Type, COL5A1-Related; EDS I. Identifiers: MedGen C0268335, MONDO:0019567, OMIM 130000.
Osteogenesis imperfecta type I (OI1). Also called: OI, TYPE I; OSTEOGENESIS IMPERFECTA TARDA; OSTEOGENESIS IMPERFECTA WITH BLUE SCLERAE; Osteogenesis imperfecta type 1; Lobstein's Disease; Lobstein disease. Identifiers: Orphanet 216796, Orphanet 666, MedGen C0023931, MONDO:0008146, OMIM 166200. Disease mechanism: loss of function.

Allele frequency attached by ClinVar (database versions not stated): gnomAD exomes 0.00001; TOPMed 0.00001.
gnomAD v4.1: 15 of 1,613,174 alleles (0.00093%); highest among the groups gnomAD compares: Non-Finnish European, 0.0013%; no homozygotes.

Submission:

Labcorp Genetics (formerly Invitae), Labcorp
Classification: Uncertain significance for Osteogenesis imperfecta type I; Ehlers-Danlos syndrome, classic type, 1. Last evaluated: 2024-08-12. Review status: criteria provided, single submitter. Criteria: Invitae Variant Classification Sherloc (09022015). Collection method: clinical testing. Allele origin: germline.
Comment: This sequence change replaces serine, which is neutral and polar, with arginine, which is basic and polar, at codon 1236 of the COL1A2 protein (p.Ser1236Arg). This variant is present in population databases (no rsID available, gnomAD 0.002%). This variant has not been reported in the literature in individuals affected with COL1A2-related conditions. ClinVar contains an entry for this variant (Variation ID: 1408899). Advanced modeling of protein sequence and biophysical properties (such as structural, functional, and spatial information, amino acid conservation, physicochemical variation, residue mobility, and thermodynamic stability) performed at Invitae indicates that this missense variant is not expected to disrupt COL1A2 protein function with a negative predictive value of 95%. In summary, the available evidence is currently insufficient to determine the role of this variant in disease. Therefore, it has been classified as a Variant of Uncertain Significance.